The following is an entry in ClinVar:

NM_172107.4(KCNQ2):c.2077A>T (p.Ser693Cys)

Gene: KCNQ2 (potassium voltage-gated channel subfamily Q member 2; minus strand). Cytogenetic location: 20q13.33.
Variant type: single nucleotide variant.
Coding change: c.2077A>T on transcript NM_172107.4 (MANE Select); coding-DNA position 2077, A replaced by T.
Protein change: p.Ser693Cys; replaces serine 693 with cysteine.
Molecular consequence: missense variant.
Genome position (GRCh38, 1-based): chr20:63,407,186, T>A on the plus strand (A>T on the coding strand, the complement: KCNQ2 is on the minus strand). VCF-style: chr20-63407186-T-A. GRCh37 (hg19) VCF-style: chr20-62038539-T-A.
Other names: c.2131A>T, p.Ser711Cys (NM_001382235.1); c.2020A>T, p.Ser674Cys (NM_001439003.1); c.1990A>T, p.Ser664Cys (NM_001439004.1); c.1993A>T, p.Ser665Cys (NM_004518.6); c.2023A>T, p.Ser675Cys (NM_172106.3); c.1984A>T, p.Ser662Cys (NM_172108.5); short protein forms S662C, S665C, S675C, S693C, S664C, S674C, S711C.
Identifiers: ClinVar variation 4747409 (VCV004747409.1).

ClinVar aggregate classification (germline): Uncertain significance (1 of 4 stars; one submission).

Conditions:
Early-infantile DEE. Also called: Ohtahara syndrome; Early infantile epileptic encephalopathy with suppression bursts; Early infantile epileptic encephalopathy. Identifiers: Orphanet 1934, MedGen C0393706, MONDO:0800491.

Submission:

Labcorp Genetics (formerly Invitae), Labcorp
Classification: Uncertain significance for Early-infantile DEE. Last evaluated: 2025-05-13. Review status: criteria provided, single submitter. Criteria: Invitae Variant Classification Sherloc (09022015). Collection method: clinical testing. Allele origin: germline.
Comment: This sequence change replaces serine, which is neutral and polar, with cysteine, which is neutral and slightly polar, at codon 693 of the KCNQ2 protein (p.Ser693Cys). This variant is not present in population databases (gnomAD no frequency). This variant has not been reported in the literature in individuals affected with KCNQ2-related conditions. Invitae Evidence Modeling of protein sequence and biophysical properties (such as structural, functional, and spatial information, amino acid conservation, physicochemical variation, residue mobility, and thermodynamic stability) has been performed for this missense variant. However, the output from this modeling did not meet the statistical confidence thresholds required to predict the impact of this variant on KCNQ2 protein function. In summary, the available evidence is currently insufficient to determine the role of this variant in disease. Therefore, it has been classified as a Variant of Uncertain Significance.